The following is an entry in ClinVar:

NM_030962.4(SBF2):c.861+5G>C

Gene: SBF2 (SET binding factor 2; minus strand). Cytogenetic location: 11p15.4.
Variant type: single nucleotide variant.
Coding change: c.861+5G>C on transcript NM_030962.4 (MANE Select); 5 bases into the intron after coding-DNA position 861, G replaced by C.
Molecular consequence: intron variant.
Genome position (GRCh38, 1-based): chr11:10,000,909, C>G on the plus strand (G>C on the coding strand, the complement: SBF2 is on the minus strand). VCF-style: chr11-10000909-C-G. GRCh37 (hg19) VCF-style: chr11-10022456-C-G.
Other names: c.861+5G>C (NM_001386342.1, NM_001386339.1).
Identifiers: ClinVar variation 245819 (VCV000245819.5), dbSNP rs879253963, ClinGen allele CA10584310.

ClinVar aggregate classification (germline): Uncertain significance. Review status: criteria provided, multiple submitters, no conflicts (2 of 4 stars). 3 submissions from 3 submitters: Uncertain significance (3). Last evaluated 2021-12-29.

Conditions:
Charcot-Marie-Tooth disease type 4. Also called: Charcot-Marie-Tooth, Type 4; Charcot-Marie-Tooth disease, type IV. Identifiers: Orphanet 64749, MedGen C4082197, MONDO:0018995.
Charcot-Marie-Tooth disease. Also called: Charcot-Marie-Tooth Neuropathy; Charcot-Marie-Tooth Hereditary Neuropathy. Identifiers: Orphanet 166, MedGen C0007959, MONDO:0015626.

Allele frequency attached by ClinVar (database versions not stated): TOPMed below 0.00001.

Submissions (3):

Labcorp Genetics (formerly Invitae), Labcorp
Classification: Uncertain significance for Charcot-Marie-Tooth disease type 4. Last evaluated: 2021-12-29. Review status: criteria provided, single submitter. Criteria: Invitae Variant Classification Sherloc (09022015). Collection method: clinical testing. Allele origin: germline.
Comment: This sequence change falls in intron 8 of the SBF2 gene. It does not directly change the encoded amino acid sequence of the SBF2 protein. It affects a nucleotide within the consensus splice site. This variant is not present in population databases (gnomAD no frequency). This variant has been observed in individual(s) with clinical features of Charcot-Marie-Tooth disease (PMID: 32376792). ClinVar contains an entry for this variant (Variation ID: 245819). Variants that disrupt the consensus splice site are a relatively common cause of aberrant splicing (PMID: 17576681, 9536098). Algorithms developed to predict the effect of sequence changes on RNA splicing suggest that this variant may disrupt the consensus splice site. In summary, the available evidence is currently insufficient to determine the role of this variant in disease. Therefore, it has been classified as a Variant of Uncertain Significance.

GeneDx
Classification: Uncertain significance. Last evaluated: 2015-07-22. Review status: criteria provided, single submitter. Criteria: GeneDx Variant Classification (06012015). Collection method: clinical testing. Allele origin: germline. Affected: yes.
Comment: The c.861+5 G>C variant has not been published as a pathogenic variant, nor has it been reported as a benign variant to our knowledge. The c.861+5 G>C variant was not observed in approximately 6,500 individuals of European and African American ancestry in the NHLBI Exome Sequencing Project, indicating it is not a common benign variant in these populations. Several in-silico splice prediction models predict that c.861+5 G>C may damage or destroy the natural splice donor site in intron 8 and lead to abnormal gene splicing. However, in the absence of RNA/functional studies, the actual effect of this sequence change is unknown. Therefore, based on the currently available information, it is unclear whether this is a pathogenic variant or a rare benign variant.

Molecular Genetics Laboratory, London Health Sciences Centre
Classification: Uncertain significance for Charcot-Marie-Tooth disease. Review status: criteria provided, single submitter. Criteria: ACMG Guidelines, 2015. Collection method: clinical testing. Allele origin: germline. Affected: yes.

Literature cited by the submitters: PubMed 32376792 (cited by Labcorp Genetics (formerly Invitae), Labcorp); PubMed 17576681 (cited by Labcorp Genetics (formerly Invitae), Labcorp); PubMed 9536098 (cited by Labcorp Genetics (formerly Invitae), Labcorp).